The following is an entry in ClinVar:

NM_006186.4(NR4A2):c.1410G>C (p.Leu470Phe)

Gene: NR4A2 (nuclear receptor subfamily 4 group A member 2; minus strand). Cytogenetic location: 2q24.1.
Variant type: single nucleotide variant.
Coding change: c.1410G>C on transcript NM_006186.4 (MANE Select); coding-DNA position 1410, G replaced by C.
Protein change: p.Leu470Phe; replaces leucine 470 with phenylalanine.
Molecular consequence: missense variant.
Genome position (GRCh38, 1-based): chr2:156,326,280, C>G on the plus strand (G>C on the coding strand, the complement: NR4A2 is on the minus strand). VCF-style: chr2-156326280-C-G. GRCh37 (hg19) VCF-style: chr2-157182792-C-G.
Other names: c.1221G>C, p.Leu407Phe (NM_173173.3); short protein forms L407F, L470F.
Identifiers: ClinVar variation 3364748 (VCV003364748.1).

ClinVar aggregate classification (germline): Uncertain significance (1 of 4 stars; one submission).

Submission:

GeneDx
Classification: Uncertain significance. Last evaluated: 2023-11-29. Review status: criteria provided, single submitter. Criteria: GeneDx Variant Classification Process June 2021. Collection method: clinical testing. Allele origin: germline. Affected: yes.
Comment: Not observed at significant frequency in large population cohorts (gnomAD); In silico analysis supports that this missense variant has a deleterious effect on protein structure/function; In silico analysis suggests this variant may impact gene splicing. In the absence of RNA/functional studies, the actual effect of this sequence change is unknown.; Has not been previously published as pathogenic or benign to our knowledge